The following is an entry in ClinVar:

NC_000023.10:g.(?_123156478)_(123234447_?)dup

Gene: STAG2 (STAG2 cohesin complex component; plus strand). Cytogenetic location: Xq25.
Variant type: Duplication.
Identifiers: ClinVar variation 2423582 (VCV002423582.3).

ClinVar aggregate classification (germline): Pathogenic (1 of 4 stars; one submission).

Submission:

Labcorp Genetics (formerly Invitae), Labcorp
Classification: Pathogenic. Last evaluated: 2022-10-17. Review status: criteria provided, single submitter. Criteria: Invitae Variant Classification Sherloc (09022015). Collection method: clinical testing. Allele origin: germline.
Comment: A copy number gain of the genomic region encompassing the full coding sequence of the STAG2 gene has been identified. The boundaries of this event are unknown as they extend beyond the assayed region for this gene and therefore may encompass additional genes. As the precise location of this event is unknown, it may be in tandem or it may be located elsewhere in the genome. A similar copy number variant has been observed in individual(s) with STAG2-related conditions (PMID: 25450604, 25677961, 26443594; Invitae). In at least one individual the variant was observed to be de novo. For these reasons, this variant has been classified as Pathogenic.

Literature cited by the submitters: PubMed 25450604; PubMed 25677961; PubMed 26443594.